The following is an entry in ClinVar:

ClinVar aggregate classification (germline): Likely pathogenic (1 of 4 stars; one submission).

Conditions:
ARMC9-related disorder. Also called: ARMC9-related condition.

Submission:

PreventionGenetics, part of Exact Sciences
Classification: Likely pathogenic for ARMC9-related condition. Last evaluated: 2025-02-28. Review status: criteria provided, single submitter. Criteria: ACMG Guidelines, 2015. Collection method: clinical testing. Allele origin: germline.
Comment: The ARMC9 c.1416dupT variant is predicted to result in premature protein termination (p.Asp473*). To our knowledge, this variant has not been reported in the literature or in a large population database (gnomAD), indicating this variant is rare. Frameshift variants in ARMC9 are expected to be pathogenic. This variant is interpreted as likely pathogenic.

NM_001352754.2(ARMC9):c.1416dup (p.Asp473Ter)

Gene: ARMC9 (armadillo repeat containing 9; plus strand). Cytogenetic location: 2q37.1.
Variant type: Duplication.
Coding change: c.1416dup on transcript NM_001352754.2 (MANE Select); coding-DNA position 1416, one base duplicated (T; older notation c.1416dupT).
Protein change: p.Asp473Ter; replaces aspartic acid 473 with a stop codon.
Molecular consequence: nonsense. On other transcripts: non-coding transcript variant (1).
Genome position (GRCh38, 1-based): chr2:231,276,717, T duplicated. VCF-style (leftmost placement, unchanged base first): chr2-231276716-C-CT. GRCh37 (hg19) VCF-style: chr2-232141429-C-CT.
Other names: c.1416dup, p.Asp473Ter (NM_001271466.4, NM_001291656.2, NM_001352755.2 and 3 more transcripts); c.1317dup, p.Asp440Ter (NM_001352757.2, NM_001352758.2); short protein forms D473*, D440*.
Identifiers: ClinVar variation 4999994 (VCV004999994.1).